The following is an entry in ClinVar:

NM_000878.5(IL2RB):c.854C>T (p.Pro285Leu)

Gene: IL2RB (interleukin 2 receptor subunit beta; minus strand). Cytogenetic location: 22q12.3.
Variant type: single nucleotide variant.
Coding change: c.854C>T on transcript NM_000878.5 (MANE Select); coding-DNA position 854, C replaced by T.
Protein change: p.Pro285Leu; replaces proline 285 with leucine.
Molecular consequence: missense variant.
Genome position (GRCh38, 1-based): chr22:37,132,433, G>A on the plus strand (C>T on the coding strand, the complement: IL2RB is on the minus strand). VCF-style: chr22-37132433-G-A. GRCh37 (hg19) VCF-style: chr22-37528473-G-A.
Other names: c.854C>T, p.Pro285Leu (NM_001346222.1, NM_001346223.2); c.854C>T (NM_000878.2); short protein forms P285L.
Identifiers: ClinVar variation 2129298 (VCV002129298.5), dbSNP rs2517835844, ClinGen allele CA411426531.

ClinVar aggregate classification (germline): Uncertain significance. Review status: criteria provided, multiple submitters, no conflicts (2 of 4 stars). 2 submissions from 2 submitters: Uncertain significance (2). Last evaluated 2025-06-07.

Submissions (2):

Ambry Genetics
Classification: Uncertain significance. Last evaluated: 2025-06-07. Review status: criteria provided, single submitter. Criteria: Ambry Variant Classification Scheme 2023. Collection method: clinical testing. Allele origin: germline.

Labcorp Genetics (formerly Invitae), Labcorp
Classification: Uncertain significance. Last evaluated: 2022-11-03. Review status: criteria provided, single submitter. Criteria: Invitae Variant Classification Sherloc (09022015). Collection method: clinical testing. Allele origin: germline.
Comment: In summary, the available evidence is currently insufficient to determine the role of this variant in disease. Therefore, it has been classified as a Variant of Uncertain Significance. Algorithms developed to predict the effect of missense changes on protein structure and function (SIFT, PolyPhen-2, Align-GVGD) all suggest that this variant is likely to be disruptive. This variant has not been reported in the literature in individuals affected with IL2RB-related conditions. This variant is not present in population databases (gnomAD no frequency). This sequence change replaces proline, which is neutral and non-polar, with leucine, which is neutral and non-polar, at codon 285 of the IL2RB protein (p.Pro285Leu).